The following is an entry in ClinVar:

NM_031866.3(FZD8):c.1095G>C (p.Ala365=)

Gene: FZD8 (frizzled class receptor 8; minus strand). Cytogenetic location: 10p11.21.
Variant type: single nucleotide variant.
Coding change: c.1095G>C on transcript NM_031866.3 (MANE Select); coding-DNA position 1095, G replaced by C.
Protein change: p.Ala365=; no amino-acid change (alanine 365 retained).
Molecular consequence: synonymous variant.
Genome position (GRCh38, 1-based): chr10:35,640,335, C>G on the plus strand (G>C on the coding strand, the complement: FZD8 is on the minus strand). VCF-style: chr10-35640335-C-G. GRCh37 (hg19) VCF-style: chr10-35929263-C-G.
Identifiers: ClinVar variation 4872819 (VCV004872819.2).
Genomic context (GRCh38, chr10:35,640,335, plus strand): 5'-GTGCTGCTCCACCGCGCCCAGCTCCTCGTACTCGCCGCGCCCGCCCGGGCCGCCCGCGCC[C>G]GCGCCCGCCGCGCCCGCGCCCGCCGCCGCGCCGCCCGCGCCCCCAGCGCCCCCCGCGCCC-3'
Protein context (NP_114072.1, residues 355-375): GAAAGAGAAG[Ala365=]GAGGPGGRGE

ClinVar aggregate classification (germline): Likely benign (1 of 4 stars; one submission).

Submission:

CeGaT Center for Human Genetics Tuebingen
Classification: Likely benign. Last evaluated: 2026-05-01. Review status: criteria provided, single submitter. Criteria: CeGaT Center For Human Genetics Tuebingen Variant Classification Criteria Version 2. Collection method: clinical testing. Allele origin: germline. Affected: yes. Observed: 1 variant allele.
Comment: FZD8: PM2:Supporting, BP4, BP7